The following is an entry in ClinVar:

NM_001379451.1(BCORL1):c.5108T>C (p.Leu1703Ser)

Gene: BCORL1 (BCL6 corepressor like 1; plus strand). Cytogenetic location: Xq26.1.
Variant type: single nucleotide variant.
Coding change: c.5108T>C on transcript NM_001379451.1 (MANE Select); coding-DNA position 5108, T replaced by C.
Protein change: p.Leu1703Ser; replaces leucine 1703 with serine.
Molecular consequence: missense variant.
Genome position (GRCh38, 1-based): chrX:130,055,886, T>C. VCF-style: chrX-130055886-T-C. GRCh37 (hg19) VCF-style: chrX-129189861-T-C.
Other names: c.5108T>C, p.Leu1703Ser (NM_001184772.3, NM_001379450.1); c.4886T>C, p.Leu1629Ser (NM_021946.5); short protein forms L1629S, L1703S.
Identifiers: ClinVar variation 1314776 (VCV001314776.3), dbSNP rs1932350686, ClinGen allele CA414558648.
Genomic context (GRCh38, chrX:130,055,886, plus strand): 5'-TCAATAACTCCCATCCTTGCCTTTGCAGGCCCTGCAACTGGTTCCTCTTTTCCGATGTCT[T>C]GAAGAGGCTGAAGCTTTCCTCGAGGATCTTTCAGGCCCGGTTCCCGCACTTTGAAATCAC-3'
Protein context (NP_001366380.1, residues 1693-1713): PCNWFLFSDV[Leu1703Ser]KRLKLSSRIF

ClinVar aggregate classification (germline): Uncertain significance (1 of 4 stars; one submission).

Submission:

GeneDx
Classification: Uncertain significance. Last evaluated: 2025-10-07. Review status: criteria provided, single submitter. Criteria: GeneDx Variant Classification Process June 2021. Collection method: clinical testing. Allele origin: germline. Affected: yes.
Comment: Not observed in large population cohorts (gnomAD); In silico analysis supports that this missense variant has a deleterious effect on protein structure/function; Has not been previously published as pathogenic or benign to our knowledge